The following is an entry in ClinVar:

ClinVar aggregate classification (germline): Uncertain significance (1 of 4 stars; one submission).

Allele frequency attached by ClinVar (database versions not stated): ExAC 0.00001; gnomAD 0.00003; TOPMed 0.00003.
gnomAD v4.1: 6 of 1,613,542 alleles (0.00037%); highest among the groups gnomAD compares: African/African-American, 0.008%; no homozygotes.

Submission:

Labcorp Genetics (formerly Invitae), Labcorp
Classification: Uncertain significance. Last evaluated: 2023-08-04. Review status: criteria provided, single submitter. Criteria: Invitae Variant Classification Sherloc (09022015). Collection method: clinical testing. Allele origin: germline.
Comment: ClinVar contains an entry for this variant (Variation ID: 2097994). This sequence change replaces aspartic acid, which is acidic and polar, with glutamic acid, which is acidic and polar, at codon 1963 of the PCLO protein (p.Asp1963Glu). This variant is present in population databases (rs774542576, gnomAD 0.01%). This variant has not been reported in the literature in individuals affected with PCLO-related conditions. Experimental studies and prediction algorithms are not available or were not evaluated, and the functional significance of this variant is currently unknown. In summary, the available evidence is currently insufficient to determine the role of this variant in disease. Therefore, it has been classified as a Variant of Uncertain Significance.

NM_033026.6(PCLO):c.5889C>A (p.Asp1963Glu)

Gene: PCLO (piccolo presynaptic cytomatrix protein; minus strand). Cytogenetic location: 7q21.11.
Variant type: single nucleotide variant.
Coding change: c.5889C>A on transcript NM_033026.6 (MANE Select); coding-DNA position 5889, C replaced by A.
Protein change: p.Asp1963Glu; replaces aspartic acid 1963 with glutamic acid.
Molecular consequence: missense variant.
Genome position (GRCh38, 1-based): chr7:82,955,064, G>T on the plus strand (C>A on the coding strand, the complement: PCLO is on the minus strand). VCF-style: chr7-82955064-G-T. GRCh37 (hg19) VCF-style: chr7-82584380-G-T.
Other names: c.5889C>A, p.Asp1963Glu (NM_014510.3); short protein forms D1963E.
Identifiers: ClinVar variation 2097994 (VCV002097994.2), dbSNP rs774542576, ClinGen allele CA4320569.
Genomic context (GRCh38, chr7:82,955,064, plus strand): 5'-AAATCCATTTTCTTCTTCTTGCCTTGTTAGCAGACTGCCATCTACCGATCCATTGTACGT[G>T]TCTTCTACTAAAGATTCATAAATATAATCCTCTATTAGCATCCCACCATACAAAGGCTCT-3'
Protein context (NP_149015.2, residues 1953-1973): EDYIYESLVE[Asp1963Glu]TYNGSVDGSL